The following is an entry in ClinVar:

NM_001194998.2(CEP152):c.2740C>G (p.Leu914Val)

Gene: CEP152 (centrosomal protein 152; minus strand). Cytogenetic location: 15q21.1.
Variant type: single nucleotide variant.
Coding change: c.2740C>G on transcript NM_001194998.2 (MANE Select); coding-DNA position 2740, C replaced by G.
Protein change: p.Leu914Val; replaces leucine 914 with valine.
Molecular consequence: missense variant.
Genome position (GRCh38, 1-based): chr15:48,756,508, G>C on the plus strand (C>G on the coding strand, the complement: CEP152 is on the minus strand). VCF-style: chr15-48756508-G-C. GRCh37 (hg19) VCF-style: chr15-49048705-G-C.
Other names: p.L914V:CTT>GTT; c.2740C>G, p.Leu914Val (NM_014985.4); short protein forms L914V.
Identifiers: ClinVar variation 136723 (VCV000136723.21), dbSNP rs16961560, ClinGen allele CA171716.

ClinVar aggregate classification (germline): Benign. Review status: criteria provided, multiple submitters, no conflicts (2 of 4 stars). 9 submissions from 8 submitters: Benign (7). 2 of the submissions do not count toward it. Last evaluated 2026-02-04.

Conditions:
Microcephaly 9, primary, autosomal recessive. Identifiers: Orphanet 2512, MedGen C3553886, MONDO:0013923, OMIM 614852.
Seckel syndrome 5 (SCKL5). Identifiers: Orphanet 808, MedGen C3151187, MONDO:0013443, OMIM 613823.

Allele frequency attached by ClinVar (database versions not stated): 1000 Genomes Project 30x 0.04669; 1000 Genomes Project 0.05052; TOPMed 0.05128; ESP Exome Variant Server 0.05548; gnomAD 0.06089 and 0.06139; gnomAD exomes 0.07175 and 0.07787; ExAC 0.07326.
gnomAD v4.1: 122,294 of 1,609,732 alleles (7.6%); highest among the groups gnomAD compares: Non-Finnish European, 8%; 5,103 homozygotes.

Submissions (9):

Labcorp Genetics (formerly Invitae), Labcorp
Classification: Benign. Last evaluated: 2026-02-04. Review status: criteria provided, single submitter. Criteria: Invitae Variant Classification Sherloc (09022015). Collection method: clinical testing. Allele origin: germline.

Blueprint Genetics
Classification: Benign. Last evaluated: 2024-11-27. Review status: criteria provided, single submitter. Criteria: ACMG Guidelines, 2015. Collection method: clinical testing. Allele origin: germline.

Illumina Laboratory Services, Illumina
Classification: Benign for Seckel syndrome 5. Last evaluated: 2018-01-13. Review status: criteria provided, single submitter. Criteria: ICSL Variant Classification Criteria 13 December 2019. Collection method: clinical testing. Allele origin: germline.
Comment: This variant was observed in the ICSL laboratory as part of a predisposition screen in an ostensibly healthy population. It had not been previously curated by ICSL or reported in the Human Gene Mutation Database (HGMD: prior to June 1st, 2018), and was therefore a candidate for classification through an automated scoring system. Utilizing variant allele frequency, disease prevalence and penetrance estimates, and inheritance mode, an automated score was calculated to assess if this variant is too frequent to cause the disease. Based on the score and internal cut-off values, a variant classified as benign is not then subjected to further curation. The score for this variant resulted in a classification of benign for this disease.

Illumina Laboratory Services, Illumina
Classification: Benign for Microcephaly 9, primary, autosomal recessive. Last evaluated: 2018-01-13. Review status: criteria provided, single submitter. Criteria: ICSL Variant Classification Criteria 13 December 2019. Collection method: clinical testing. Allele origin: germline.
Comment: the same text as in the submission from Illumina Laboratory Services, Illumina above.

GeneDx
Classification: Benign. Last evaluated: 2013-12-18. Review status: criteria provided, single submitter. Criteria: GeneDx Variant Classification (06012015). Collection method: clinical testing. Allele origin: germline. Affected: yes.
Comment: This variant is considered likely benign or benign based on one or more of the following criteria: it is a conservative change, it occurs at a poorly conserved position in the protein, it is predicted to be benign by multiple in silico algorithms, and/or has population frequency not consistent with disease.

Genetic Services Laboratory, University of Chicago
Classification: Benign. Last evaluated: 2013-02-08. Review status: criteria provided, single submitter. Criteria: ACMG Guidelines, 2007. Collection method: clinical testing. Allele origin: germline. Inheritance: Autosomal recessive inheritance.

Breakthrough Genomics
Classification: Benign. Review status: criteria provided, single submitter. Criteria: ACMG Guidelines, 2015. Collection method: not provided. Allele origin: germline. Inheritance: Autosomal recessive inheritance. Affected: yes.

Clinical Genetics DNA and cytogenetics Diagnostics Lab, Erasmus MC, Erasmus Medical Center
Classification: Benign. Review status: no assertion criteria provided. Collection method: clinical testing. Allele origin: germline. Affected: yes. Study: VKGL Data-share Consensus. Not counted in ClinVar's aggregate classification.

Joint Genome Diagnostic Labs from Nijmegen and Maastricht, Radboudumc and MUMC+
Classification: Benign. Review status: no assertion criteria provided. Collection method: clinical testing. Allele origin: germline. Affected: yes. Study: VKGL Data-share Consensus. Not counted in ClinVar's aggregate classification.